The following is an entry in ClinVar:

NM_000179.3(MSH6):c.745del (p.Arg249fs)

Gene: MSH6 (mutS homolog 6; plus strand). Cytogenetic location: 2p16.3.
Variant type: Deletion.
Coding change: c.745del on transcript NM_000179.3 (MANE Select); coding-DNA position 745, one base deleted (A; older notation c.745delA).
Protein change: p.Arg249fs; shifts the reading frame from arginine 249.
Molecular consequence: frameshift variant. On other transcripts: 5 prime UTR variant (9), non-coding transcript variant (4), intron variant (1).
Genome position (GRCh38, 1-based): chr2:47,798,728, A deleted; the last of 2 consecutive A bases (chr2:47,798,727-47,798,728); deleting either gives the same sequence. VCF-style (leftmost placement, unchanged base first): chr2-47798726-GA-G. GRCh37 (hg19) VCF-style: chr2-48025865-GA-G.
Other names: c.355del, p.Arg119fs (NM_001281492.2); c.-162del (NM_001281493.2, NM_001281494.2, NM_001406811.1 and 6 more transcripts); c.841del, p.Arg281fs (NM_001406795.1, NM_001406802.1); c.745del, p.Arg249fs (NM_001406796.1, NM_001406798.1, NM_001406800.1 and 4 more transcripts); c.448del, p.Arg150fs (NM_001406797.1, NM_001406801.1, NM_001406805.1 and 10 more transcripts); c.220del, p.Arg74fs (NM_001406799.1, NM_001406806.1, NM_001406807.1); c.667del, p.Arg223fs (NM_001406804.1); c.751del, p.Arg251fs (NM_001406813.1); and 2 more; short protein forms R119fs, R150fs, R193fs, R223fs, R249fs, R251fs, R281fs, R74fs.
Identifiers: ClinVar variation 2673794 (VCV002673794.3), dbSNP rs2530569301, ClinGen allele CA2695200243.

ClinVar aggregate classification (germline): Pathogenic. Review status: criteria provided, multiple submitters, no conflicts (2 of 4 stars). 3 submissions from 3 submitters: Pathogenic (3). Last evaluated 2025-11-22.

Conditions:
Hereditary nonpolyposis colorectal neoplasms. Identifiers: MedGen C0009405, MeSH D003123.
Hereditary cancer-predisposing syndrome. Also called: Tumor predisposition; Hereditary neoplastic syndrome; Neoplastic Syndromes, Hereditary; Hereditary Cancer Syndrome. Identifiers: Orphanet 140162, MedGen C0027672, MeSH D009386, MONDO:0015356.
Lynch syndrome 5 (LYNCH5). Also called: Colorectal cancer, hereditary nonpolyposis, type 5; Hereditary non-polyposis colorectal cancer, type 5. Identifiers: Orphanet 144, MedGen C1833477, MONDO:0013710, OMIM 614350. Disease mechanism: loss of function.

Submissions (3):

Labcorp Genetics (formerly Invitae), Labcorp
Classification: Pathogenic for Hereditary nonpolyposis colorectal neoplasms. Last evaluated: 2025-11-22. Review status: criteria provided, single submitter. Criteria: Invitae Variant Classification Sherloc (09022015). Collection method: clinical testing. Allele origin: germline.
Comment: This sequence change creates a premature translational stop signal (p.Arg249Glyfs*30) in the MSH6 gene. It is expected to result in an absent or disrupted protein product. Loss-of-function variants in MSH6 are known to be pathogenic (PMID: 18269114, 24362816). This variant is not present in population databases (gnomAD no frequency). This variant has not been reported in the literature in individuals affected with MSH6-related conditions. ClinVar contains an entry for this variant (Variation ID: 2673794). For these reasons, this variant has been classified as Pathogenic.

Ambry Genetics
Classification: Pathogenic for Hereditary cancer-predisposing syndrome. Last evaluated: 2024-11-09. Review status: criteria provided, single submitter. Criteria: Ambry Variant Classification Scheme 2023. Collection method: clinical testing. Allele origin: germline.
Comment: The c.745delA pathogenic mutation, located in coding exon 4 of the MSH6 gene, results from a deletion of one nucleotide at nucleotide position 745, causing a translational frameshift with a predicted alternate stop codon (p.R249Gfs*30). This variant is considered to be rare based on population cohorts in the Genome Aggregation Database (gnomAD). This alteration is expected to result in loss of function by premature protein truncation or nonsense-mediated mRNA decay. As such, this alteration is interpreted as a disease-causing mutation.

Myriad Genetics, Inc.
Classification: Pathogenic for Lynch syndrome 5. Last evaluated: 2023-08-10. Review status: criteria provided, single submitter. Criteria: Myriad Autosomal Dominant, Autosomal Recessive and X-Linked Classification Criteria (2023). Collection method: clinical testing. Allele origin: unknown.
Comment: This variant is considered pathogenic. This variant creates a frameshift predicted to result in premature protein truncation.

Literature cited by the submitters: PubMed 18269114 (cited by Labcorp Genetics (formerly Invitae), Labcorp); PubMed 24362816 (cited by Labcorp Genetics (formerly Invitae), Labcorp).